The following is an entry in ClinVar:

NM_139319.3(SLC17A8):c.588+1G>A

Gene: SLC17A8 (solute carrier family 17 member 8; plus strand). Cytogenetic location: 12q23.1.
Variant type: single nucleotide variant.
Coding change: c.588+1G>A on transcript NM_139319.3 (MANE Select); the canonical splice donor site of the intron after coding-DNA position 588, G replaced by A.
Molecular consequence: splice donor variant.
Genome position (GRCh38, 1-based): chr12:100,393,484, G>A. VCF-style: chr12-100393484-G-A. GRCh37 (hg19) VCF-style: chr12-100787262-G-A.
Other names: c.588+1G>A (NM_001145288.2).
Identifiers: ClinVar variation 4732822 (VCV004732822.1).

ClinVar aggregate classification (germline): Uncertain significance (1 of 4 stars; one submission).

Submission:

Labcorp Genetics (formerly Invitae), Labcorp
Classification: Uncertain significance. Last evaluated: 2025-12-09. Review status: criteria provided, single submitter. Criteria: Invitae Variant Classification Sherloc (09022015). Collection method: clinical testing. Allele origin: germline.
Comment: This sequence change affects a donor splice site in intron 4 of the SLC17A8 gene. It is expected to disrupt RNA splicing. Variants that disrupt the donor or acceptor splice site typically lead to a loss of protein function (PMID: 16199547), however the current clinical and genetic evidence is not sufficient to establish whether loss-of-function variants in SLC17A8 cause disease. This variant is not present in population databases (gnomAD no frequency). This variant has not been reported in the literature in individuals affected with SLC17A8-related conditions. Algorithms developed to predict the effect of sequence changes on RNA splicing suggest that this variant may disrupt the consensus splice site. In summary, the available evidence is currently insufficient to determine the role of this variant in disease. Therefore, it has been classified as a Variant of Uncertain Significance.

Literature cited by the submitters: PubMed 16199547.